The following is an entry in ClinVar:

ClinVar aggregate classification (germline): Benign/Likely benign. Review status: criteria provided, multiple submitters, no conflicts (2 of 4 stars). 5 submissions from 5 submitters: Benign (1); Likely benign (4). Last evaluated 2026-09-01.

Conditions:
Developmental and epileptic encephalopathy 94 (DEE94). Also called: Epileptic encephalopathy, childhood-onset; CHD2-Related Neurodevelopmental Disorders. Identifiers: Orphanet 1942, Orphanet 2382, MedGen C3809278, MONDO:0014150, OMIM 615369.
Inborn genetic diseases. Identifiers: MedGen C0950123, MeSH D030342.

Allele frequency attached by ClinVar (database versions not stated): ESP Exome Variant Server 0.00008; gnomAD 0.00012 and 0.00013; gnomAD exomes 0.00013; ExAC 0.00014; TOPMed 0.00016.
gnomAD v4.1: 220 of 1,611,124 alleles (0.014%); highest among the groups gnomAD compares: Non-Finnish European, 0.017%; no homozygotes.

Submissions (5):

CeGaT Center for Human Genetics Tuebingen
Classification: Likely benign. Last evaluated: 2026-09-01. Review status: criteria provided, single submitter. Criteria: CeGaT Center For Human Genetics Tuebingen Variant Classification Criteria Version 2. Collection method: clinical testing. Allele origin: germline. Affected: yes. Observed: 8 variant alleles.
Comment: CHD2: BP4, BS2

Labcorp Genetics (formerly Invitae), Labcorp
Classification: Benign for Developmental and epileptic encephalopathy 94. Last evaluated: 2026-01-27. Review status: criteria provided, single submitter. Criteria: Invitae Variant Classification Sherloc (09022015). Collection method: clinical testing. Allele origin: germline.

Blueprint Genetics
Classification: Likely benign. Last evaluated: 2024-11-11. Review status: criteria provided, single submitter. Criteria: ACMG Guidelines, 2015. Collection method: clinical testing. Allele origin: germline.

Ambry Genetics
Classification: Likely benign for Inborn genetic diseases. Last evaluated: 2022-06-07. Review status: criteria provided, single submitter. Criteria: Ambry Variant Classification Scheme 2023. Collection method: clinical testing. Allele origin: germline.

GeneDx
Classification: Likely benign. Last evaluated: 2021-09-01. Review status: criteria provided, single submitter. Criteria: GeneDx Variant Classification Process June 2021. Collection method: clinical testing. Allele origin: germline. Affected: yes.

NM_001271.4(CHD2):c.826+4T>C

Gene: CHD2 (chromodomain helicase DNA binding protein 2; plus strand). Cytogenetic location: 15q26.1.
Variant type: single nucleotide variant.
Coding change: c.826+4T>C on transcript NM_001271.4 (MANE Select); 4 bases into the intron after coding-DNA position 826, T replaced by C.
Molecular consequence: intron variant.
Genome position (GRCh38, 1-based): chr15:92,941,959, T>C. VCF-style: chr15-92941959-T-C. GRCh37 (hg19) VCF-style: chr15-93485189-T-C.
Other names: c.826+4T>C (NM_001042572.3).
Identifiers: ClinVar variation 513636 (VCV000513636.58), dbSNP rs369930157, ClinGen allele CA7747625.